The following is an entry in ClinVar:

NM_007294.4(BRCA1):c.2510T>A (p.Val837Asp)

Gene: BRCA1 (BRCA1 DNA repair associated; minus strand). Cytogenetic location: 17q21.31.
Variant type: single nucleotide variant.
Coding change: c.2510T>A on transcript NM_007294.4 (MANE Select); coding-DNA position 2510, T replaced by A.
Protein change: p.Val837Asp; replaces valine 837 with aspartic acid.
Molecular consequence: missense variant. On other transcripts: intron variant (137).
Genome position (GRCh38, 1-based): chr17:43,093,021, A>T on the plus strand (T>A on the coding strand, the complement: BRCA1 is on the minus strand). VCF-style: chr17-43093021-A-T. GRCh37 (hg19) VCF-style: chr17-41245038-A-T.
Other names: c.2297T>A, p.Val766Asp (NM_001407571.1, NM_001407853.1, NM_001407894.1 and 9 more transcripts); c.2510T>A, p.Val837Asp (NM_001407581.1, NM_001407582.1, NM_001407583.1 and 30 more transcripts); c.2507T>A, p.Val836Asp (NM_001407587.1, NM_001407590.1, NM_001407591.1 and 22 more transcripts); c.2501T>A, p.Val834Asp (NM_001407646.1, NM_001407647.1); c.2387T>A, p.Val796Asp (NM_001407648.1, NM_001407664.1, NM_001407665.1 and 19 more transcripts); c.2384T>A, p.Val795Asp (NM_001407649.1, NM_001407670.1, NM_001407671.1 and 11 more transcripts); c.2432T>A, p.Val811Asp (NM_001407653.1, NM_001407654.1, NM_001407655.1 and 4 more transcripts); c.2429T>A, p.Val810Asp (NM_001407659.1, NM_001407660.1, NM_001407661.1 and 1 more transcripts); and 41 more; short protein forms V541D, V725D, V748D, V769D, V796D, V834D, V669D, V749D.
Identifiers: ClinVar variation 2075020 (VCV002075020.6), dbSNP rs2154373500, ClinGen allele CA10596976.

ClinVar aggregate classification (germline): Conflicting classifications of pathogenicity. Review status: criteria provided, conflicting classifications (1 of 4 stars). 2 submissions from 2 submitters: Uncertain significance (1); Likely benign (1). Last evaluated 2024-02-03.

Conditions:
Hereditary cancer-predisposing syndrome. Also called: Hereditary Cancer Syndrome; Tumor predisposition; Hereditary neoplastic syndrome; Neoplastic Syndromes, Hereditary. Identifiers: Orphanet 140162, MedGen C0027672, MeSH D009386, MONDO:0015356.
Hereditary breast ovarian cancer syndrome. Also called: Hereditary breast and ovarian cancer syndrome; Hereditary breast and ovarian cancer syndrome (HBOC); Breast and ovarian cancer; Hereditary breast and/or ovarian cancer syndrome; BRCA1- and BRCA2-Associated Hereditary Breast and Ovarian Cancer; Hereditary breast and ovarian cancer. Identifiers: Orphanet 145, MedGen C0677776, MeSH D061325, MONDO:0003582. Disease mechanism: loss of function.

Allele frequency attached by ClinVar (database versions not stated): gnomAD exomes below 0.00001.
gnomAD v4.1: 4 of 1,613,944 alleles (0.00025%); highest among the groups gnomAD compares: South Asian, 0.0011%; no homozygotes.

Submissions (2):

Labcorp Genetics (formerly Invitae), Labcorp
Classification: Uncertain significance for Hereditary breast ovarian cancer syndrome. Last evaluated: 2024-02-03. Review status: criteria provided, single submitter. Criteria: Invitae Variant Classification Sherloc (09022015). Collection method: clinical testing. Allele origin: germline.
Comment: This sequence change replaces valine, which is neutral and non-polar, with aspartic acid, which is acidic and polar, at codon 837 of the BRCA1 protein (p.Val837Asp). This variant is not present in population databases (gnomAD no frequency). This variant has not been reported in the literature in individuals affected with BRCA1-related conditions. ClinVar contains an entry for this variant (Variation ID: 2075020). Advanced modeling of protein sequence and biophysical properties (such as structural, functional, and spatial information, amino acid conservation, physicochemical variation, residue mobility, and thermodynamic stability) performed at Invitae indicates that this missense variant is not expected to disrupt BRCA1 protein function with a negative predictive value of 95%. In summary, the available evidence is currently insufficient to determine the role of this variant in disease. Therefore, it has been classified as a Variant of Uncertain Significance.

University of Washington Department of Laboratory Medicine, University of Washington
Classification: Likely benign for Hereditary cancer-predisposing syndrome. Last evaluated: 2023-03-23. Review status: criteria provided, single submitter. Criteria: Dines et al. (Genet Med. 2020). Collection method: curation. Allele origin: germline.
Comment: Missense variant in a coldspot region where missense variants are very unlikely to be pathogenic (PMID:31911673).

BRCA1 coldspot (exon 11 using historical exon numbering). Reclassification based on statistical prior probability